The following is an entry in ClinVar:

NM_017514.5(PLXNA3):c.2659G>A (p.Glu887Lys)

Gene: PLXNA3 (plexin A3; plus strand). Cytogenetic location: Xq28.
Variant type: single nucleotide variant.
Coding change: c.2659G>A on transcript NM_017514.5 (MANE Select); coding-DNA position 2659, G replaced by A.
Protein change: p.Glu887Lys; replaces glutamic acid 887 with lysine.
Molecular consequence: missense variant.
Genome position (GRCh38, 1-based): chrX:154,466,061, G>A. VCF-style: chrX-154466061-G-A. GRCh37 (hg19) VCF-style: chrX-153694404-G-A.
Other names: NC_000023.10:g.153694404G>A; short protein forms E887K.
Identifiers: ClinVar variation 3348293 (VCV003348293.2).

ClinVar aggregate classification (germline): Uncertain significance (0 of 4 stars; one submission).

Conditions:
PLXNA3-related disorder. Also called: PLXNA3-related condition.

gnomAD v4.1: 6 of 1,209,221 alleles (0.0005%); highest among the groups gnomAD compares: Non-Finnish European, 0.00067%; no homozygotes.

Submissions (2):

PreventionGenetics, part of Exact Sciences
Classification: Uncertain significance for PLXNA3-related condition. Last evaluated: 2024-02-08. Review status: no assertion criteria provided. Collection method: clinical testing. Allele origin: germline.
Comment: The PLXNA3 c.2659G>A variant is predicted to result in the amino acid substitution p.Glu887Lys. To our knowledge, this variant has not been reported in the literature. This variant is reported in 0.0025% of alleles in individuals of European (Non-Finnish) descent in gnomAD. At this time, the clinical significance of this variant is uncertain due to the absence of conclusive functional and genetic evidence.

Dr. Peter K. Rogan Lab, Western University
No classification provided (evidence only). Condition: Thyroid cancer, nonmedullary, 1. Review status: no classification provided. Collection method: in vitro. Allele origin: not applicable. Functional consequence: retained intron. Not counted in ClinVar's aggregate classification.